The following is an entry in ClinVar:

ClinVar aggregate classification (germline): Uncertain significance. Review status: criteria provided, multiple submitters, no conflicts (2 of 4 stars). 2 submissions from 2 submitters: Uncertain significance (2). Last evaluated 2023-04-15.

Conditions:
Developmental and epileptic encephalopathy 94 (DEE94). Also called: CHD2-Related Neurodevelopmental Disorders; Epileptic encephalopathy, childhood-onset. Identifiers: Orphanet 1942, Orphanet 2382, MedGen C3809278, MONDO:0014150, OMIM 615369.

Submissions (2):

Labcorp Genetics (formerly Invitae), Labcorp
Classification: Uncertain significance for Developmental and epileptic encephalopathy 94. Last evaluated: 2023-04-15. Review status: criteria provided, single submitter. Criteria: Invitae Variant Classification Sherloc (09022015). Collection method: clinical testing. Allele origin: germline.
Comment: This variant has not been reported in the literature in individuals affected with CHD2-related conditions. This sequence change replaces aspartic acid, which is acidic and polar, with histidine, which is basic and polar, at codon 206 of the CHD2 protein (p.Asp206His). This variant is not present in population databases (gnomAD no frequency). ClinVar contains an entry for this variant (Variation ID: 1302585). Advanced modeling of protein sequence and biophysical properties (such as structural, functional, and spatial information, amino acid conservation, physicochemical variation, residue mobility, and thermodynamic stability) performed at Invitae indicates that this missense variant is not expected to disrupt CHD2 protein function. In summary, the available evidence is currently insufficient to determine the role of this variant in disease. Therefore, it has been classified as a Variant of Uncertain Significance.

GeneDx
Classification: Uncertain significance. Last evaluated: 2019-07-11. Review status: criteria provided, single submitter. Criteria: GeneDx Variant Classification Process June 2021. Collection method: clinical testing. Allele origin: germline. Affected: yes.
Comment: Not observed in large population cohorts (Lek et al., 2016); In silico analysis, which includes protein predictors and evolutionary conservation, supports that this variant does not alter protein structure/function; Has not been previously published as pathogenic or benign to our knowledge

NM_001271.4(CHD2):c.616G>C (p.Asp206His)

Gene: CHD2 (chromodomain helicase DNA binding protein 2; plus strand). Cytogenetic location: 15q26.1.
Variant type: single nucleotide variant.
Coding change: c.616G>C on transcript NM_001271.4 (MANE Select); coding-DNA position 616, G replaced by C.
Protein change: p.Asp206His; replaces aspartic acid 206 with histidine.
Molecular consequence: missense variant.
Genome position (GRCh38, 1-based): chr15:92,939,642, G>C. VCF-style: chr15-92939642-G-C. GRCh37 (hg19) VCF-style: chr15-93482872-G-C.
Other names: c.616G>C, p.Asp206His (NM_001042572.3); short protein forms D206H.
Identifiers: ClinVar variation 1302585 (VCV001302585.5), dbSNP rs2141778412, ClinGen allele CA393900108.